The following is an entry in ClinVar:

ClinVar aggregate classification (germline): Likely pathogenic (1 of 4 stars; one submission).

Conditions:
Bloom syndrome (BLM). Also called: Bloom-Torre-Machacek syndrome. Identifiers: Orphanet 125, MedGen C0005859, MONDO:0008876, OMIM 210900.

gnomAD v4.1: 1 of 1,556,732 alleles (0.000064%); highest among the groups gnomAD compares: Non-Finnish European, 0.000089%; no homozygotes.

Submission:

Labcorp Genetics (formerly Invitae), Labcorp
Classification: Likely pathogenic for Bloom syndrome. Last evaluated: 2025-04-03. Review status: criteria provided, single submitter. Criteria: Invitae Variant Classification Sherloc (09022015). Collection method: clinical testing. Allele origin: germline.
Comment: This sequence change falls in intron 8 of the BLM gene. It does not directly change the encoded amino acid sequence of the BLM protein. RNA analysis indicates that this variant induces altered splicing and may result in an absent or altered protein product. This variant is not present in population databases (gnomAD no frequency). This variant has not been reported in the literature in individuals affected with BLM-related conditions. ClinVar contains an entry for this variant (Variation ID: 2201215). Studies have shown that this variant results in multiple mRNA products including intron retention, and produces a non-functional protein and/or introduces a premature termination codon (internal data). In summary, the currently available evidence indicates that the variant is pathogenic, but additional data are needed to prove that conclusively. Therefore, this variant has been classified as Likely Pathogenic.

NM_000057.4(BLM):c.2075-14T>G

Gene: BLM (BLM RecQ like helicase; plus strand). Cytogenetic location: 15q26.1.
Variant type: single nucleotide variant.
Coding change: c.2075-14T>G on transcript NM_000057.4 (MANE Select); 14 bases into the intron before coding-DNA position 2075, T replaced by G.
Molecular consequence: intron variant.
Genome position (GRCh38, 1-based): chr15:90,765,282, T>G. VCF-style: chr15-90765282-T-G. GRCh37 (hg19) VCF-style: chr15-91308512-T-G.
Other names: c.2075-14T>G (NM_001287246.2, NM_001287247.2); c.950-14T>G (NM_001287248.2).
Identifiers: ClinVar variation 2201215 (VCV002201215.4), dbSNP rs28385026, ClinGen allele CA2580090512.
Genomic context (GRCh38, chr15:90,765,282, plus strand): 5'-ATTTCTTTTGTAACTTTTACATTCATGCTCTGAAGACAGAACCTGACAGATATTTTTTCA[T>G]TGTTCTCTTTCAGGAGGTGGTAAGAGTTTGTGTTACCAGCTCCCTGCCTGTGTTTCTCCT-3'